The following is an entry in ClinVar:

NM_001048174.2(MUTYH):c.1170G>C (p.Lys390Asn)

Gene: MUTYH (mutY DNA glycosylase; minus strand). Cytogenetic location: 1p34.1.
Variant type: single nucleotide variant.
Coding change: c.1170G>C on transcript NM_001048174.2 (MANE Select); coding-DNA position 1170, G replaced by C.
Protein change: p.Lys390Asn; replaces lysine 390 with asparagine.
Molecular consequence: missense variant. On other transcripts: non-coding transcript variant (7).
Genome position (GRCh38, 1-based): chr1:45,331,489, C>G on the plus strand (G>C on the coding strand, the complement: MUTYH is on the minus strand). VCF-style: chr1-45331489-C-G. GRCh37 (hg19) VCF-style: chr1-45797161-C-G.
Other names: c.1170G>C, p.Lys390Asn (NM_001048171.2, NM_001048173.2, NM_001293195.2 and 6 more transcripts); c.1173G>C, p.Lys391Asn (NM_001048172.2, NM_001407086.1, NM_001407071.1 and 1 more transcripts); c.1254G>C, p.Lys418Asn (NM_001128425.2); c.1215G>C, p.Lys405Asn (NM_001293190.2); c.1203G>C, p.Lys401Asn (NM_001293191.2, NM_001407069.1, NM_001407077.1); c.894G>C, p.Lys298Asn (NM_001293192.2, NM_001293196.2, NM_001407091.1); c.1131G>C, p.Lys377Asn (NM_001407079.1); c.1128G>C, p.Lys376Asn (NM_001407080.1); and 5 more; short protein forms K275N, K376N, K418N, K362N, K404N, K415N, K377N, K390N.
Identifiers: ClinVar variation 4113134 (VCV004113134.1).

ClinVar aggregate classification (germline): Uncertain significance (1 of 4 stars; one submission).

Conditions:
Hereditary cancer-predisposing syndrome. Also called: Tumor predisposition; Neoplastic Syndromes, Hereditary; Hereditary neoplastic syndrome; Hereditary Cancer Syndrome. Identifiers: Orphanet 140162, MedGen C0027672, MeSH D009386, MONDO:0015356.

Submission:

Ambry Genetics
Classification: Uncertain significance for Hereditary cancer-predisposing syndrome. Last evaluated: 2025-08-27. Review status: criteria provided, single submitter. Criteria: Ambry Variant Classification Scheme 2023. Collection method: clinical testing. Allele origin: germline.
Comment: The p.K418N variant (also known as c.1254G>C), located in coding exon 13 of the MUTYH gene, results from a G to C substitution at nucleotide position 1254. The lysine at codon 418 is replaced by asparagine, an amino acid with similar properties. This amino acid position is conserved. In addition, this alteration is predicted to be tolerated by in silico analysis. Based on the available evidence, the clinical significance of this variant remains unclear.